The following is an entry in ClinVar:

ClinVar aggregate classification (germline): Benign. Review status: criteria provided, multiple submitters, no conflicts (2 of 4 stars). 7 submissions from 7 submitters: Benign (7). Last evaluated 2024-11-27.

Conditions:
Holoprosencephaly sequence (HPE). Also called: Holoprosencephaly. Identifiers: Orphanet 2162, MedGen C0079541, MONDO:0016296, HP:0001360.

Allele frequency attached by ClinVar (database versions not stated): 1000 Genomes Project 0.94569; 1000 Genomes Project 30x 0.95050; gnomAD exomes 0.96516 and 0.98960; ExAC 0.97085; TOPMed 0.97842; gnomAD 0.98392 and 0.98630; ESP Exome Variant Server 0.99577.

Submissions (7):

Blueprint Genetics
Classification: Benign. Last evaluated: 2024-11-27. Review status: criteria provided, single submitter. Criteria: ACMG Guidelines, 2015. Collection method: clinical testing. Allele origin: germline.

Women's Health and Genetics/Laboratory Corporation of America, LabCorp
Classification: Benign. Last evaluated: 2023-07-29. Review status: criteria provided, single submitter. Criteria: LabCorp Variant Classification Summary - May 2015. Collection method: clinical testing. Allele origin: germline.

Illumina Laboratory Services, Illumina
Classification: Benign for Holoprosencephaly sequence. Last evaluated: 2018-01-12. Review status: criteria provided, single submitter. Criteria: ICSL Variant Classification Criteria 13 December 2019. Collection method: clinical testing. Allele origin: germline.
Comment: This variant was observed in the ICSL laboratory as part of a predisposition screen in an ostensibly healthy population. It had not been previously curated by ICSL or reported in the Human Gene Mutation Database (HGMD: prior to June 1st, 2018), and was therefore a candidate for classification through an automated scoring system. Utilizing variant allele frequency, disease prevalence and penetrance estimates, and inheritance mode, an automated score was calculated to assess if this variant is too frequent to cause the disease. Based on the score and internal cut-off values, a variant classified as benign is not then subjected to further curation. The score for this variant resulted in a classification of benign for this disease.

Eurofins Ntd Llc (ga)
Classification: Benign. Last evaluated: 2015-12-17. Review status: criteria provided, single submitter. Criteria: EGL Classification Definitions 2015. Collection method: clinical testing. Allele origin: germline. Observed: 26 variant alleles, 26 homozygotes.

GeneDx
Classification: Benign. Last evaluated: 2015-03-03. Review status: criteria provided, single submitter. Criteria: GeneDx Variant Classification Process June 2021. Collection method: clinical testing. Allele origin: germline. Affected: yes.

Breakthrough Genomics
Classification: Benign. Review status: criteria provided, single submitter. Criteria: ACMG Guidelines, 2015. Collection method: not provided. Allele origin: germline. Inheritance: Unknown mechanism. Affected: yes.

PreventionGenetics, part of Exact Sciences
Classification: Benign. Review status: criteria provided, single submitter. Criteria: ACMG Guidelines, 2015. Collection method: clinical testing. Allele origin: germline.

NM_003923.3(FOXH1):c.*20A>G

Gene: FOXH1 (forkhead box H1; minus strand). Cytogenetic location: 8q24.3.
Variant type: single nucleotide variant.
Coding change: c.*20A>G on transcript NM_003923.3 (MANE Select); 20 bases downstream of the stop codon, A replaced by G.
Molecular consequence: 3 prime UTR variant.
Genome position (GRCh38, 1-based): chr8:144,474,218, T>C on the plus strand (A>G on the coding strand, the complement: FOXH1 is on the minus strand). VCF-style: chr8-144474218-T-C. GRCh37 (hg19) VCF-style: chr8-145699601-T-C.
Identifiers: ClinVar variation 259199 (VCV000259199.16), dbSNP rs2721176, ClinGen allele CA4945353.